The following is an entry in ClinVar:

NM_007118.4(TRIO):c.7632+4A>G

Gene: TRIO (trio Rho guanine nucleotide exchange factor; plus strand). Cytogenetic location: 5p15.2.
Variant type: single nucleotide variant.
Coding change: c.7632+4A>G on transcript NM_007118.4 (MANE Select); 4 bases into the intron after coding-DNA position 7632, A replaced by G.
Molecular consequence: intron variant.
Genome position (GRCh38, 1-based): chr5:14,488,264, A>G. VCF-style: chr5-14488264-A-G. GRCh37 (hg19) VCF-style: chr5-14488373-A-G.
Identifiers: ClinVar variation 4840685 (VCV004840685.1).

ClinVar aggregate classification (germline): Uncertain significance (1 of 4 stars; one submission).

Conditions:
Inborn genetic diseases. Identifiers: MedGen C0950123, MeSH D030342.

Submission:

Ambry Genetics
Classification: Uncertain significance for Inborn genetic diseases. Last evaluated: 2026-03-13. Review status: criteria provided, single submitter. Criteria: Ambry Variant Classification Scheme 2023. Collection method: clinical testing. Allele origin: germline.
Comment: The c.7632+4A>G intronic alteration consists of an A to G substitution 4 nucleotides after exon 48 in the TRIO gene. for TRIO-related neurodevelopmental disorder with microcephaly; however, it is unlikely to be causative of TRIO-related neurodevelopmental disorder with macrocephaly. This variant was not reported in population-based cohorts in the Genome Aggregation Database (gnomAD). This nucleotide position is highly conserved in available vertebrate species. In silico splice site analysis predicts that this alteration may weaken the native splice donor site. Based on insufficient or conflicting evidence, the clinical significance of this alteration remains unclear.